The following is an entry in ClinVar:

ClinVar aggregate classification (germline): Likely pathogenic (1 of 4 stars; one submission).

Conditions:
Spinocerebellar ataxia, autosomal recessive 22 (SCAR22). Identifiers: MedGen C4310781, MONDO:0014845, OMIM 616948.

Submission:

First Genomix Gene Laboratory, Genetic Diagnostics Department
Classification: Likely pathogenic for Spinocerebellar ataxia, autosomal recessive 22. Last evaluated: 2025-08-01. Review status: criteria provided, single submitter. Criteria: ACMG Guidelines, 2015. Collection method: clinical testing. Allele origin: germline. Inheritance: Autosomal recessive inheritance. Affected: no. Observed: 1 variant allele.

NM_144992.5(VWA3B):c.254del (p.Pro85fs)

Gene: VWA3B (von Willebrand factor A domain containing 3B; plus strand). Cytogenetic location: 2q11.2.
Variant type: Deletion.
Coding change: c.254del on transcript NM_144992.5 (MANE Select); coding-DNA position 254, one base deleted (C; older notation c.254delC).
Protein change: p.Pro85fs; shifts the reading frame from proline 85.
Molecular consequence: frameshift variant. On other transcripts: non-coding transcript variant (3).
Genome position (GRCh38, 1-based): chr2:98,115,709, C deleted; the last of 2 consecutive C bases (chr2:98,115,708-98,115,709); deleting either gives the same sequence. VCF-style (leftmost placement, unchanged base first): chr2-98115707-TC-T. GRCh37 (hg19) VCF-style: chr2-98732170-TC-T.
Other names: c.254delC (NM_144992.5); short protein forms P85fs.
Identifiers: ClinVar variation 4850578 (VCV004850578.1).
Genomic context (GRCh38, chr2:98,115,707, plus strand): 5'-TGCAGATTATGTGGCGTCTCTGGGGAGACCTGTGGCTTCTCGGTATGCTGATGGTCTGTT[TC>T]CACAGCTCTACAGAGCAGAAGATGGCAGAGTATACAATGTAAGTCAGAGTTCCCTCAATG-3'